The following is an entry in ClinVar:

ClinVar aggregate classification (germline): Benign/Likely benign. Review status: criteria provided, multiple submitters, no conflicts (2 of 4 stars). 21 submissions from 21 submitters: Benign (5); Likely benign (9). 7 of the submissions do not count toward it. Last evaluated 2026-02-04.

Conditions:
Hereditary cancer-predisposing syndrome. Also called: Neoplastic Syndromes, Hereditary; Hereditary Cancer Syndrome; Tumor predisposition; Hereditary neoplastic syndrome. Identifiers: Orphanet 140162, MedGen C0027672, MeSH D009386, MONDO:0015356.
Mandibular hypoplasia-deafness-progeroid syndrome. Also called: Mandibular hypoplasia, deafness, progeroid features, and lipodystrophy syndrome. Identifiers: Orphanet 363649, MedGen C3715192, MONDO:0014157, OMIM 615381.
POLD1-related polyposis and colorectal cancer syndrome (CRCS10). Also called: Colorectal cancer 10; Colorectal cancer, susceptibility to, 10; COLORECTAL CANCER, SUSCEPTIBILITY TO, ON CHROMOSOME 19q. Identifiers: Orphanet 220460, MedGen C2675481, MONDO:0012953, OMIM 612591.

Allele frequency attached by ClinVar (database versions not stated): 1000 Genomes Project 30x 0.00016; 1000 Genomes Project 0.00020; gnomAD 0.00054 and 0.00056; gnomAD exomes 0.00058 and 0.00061; ExAC 0.00060; ESP Exome Variant Server 0.00069; TOPMed 0.00090.
gnomAD v4.1: 922 of 1,605,808 alleles (0.057%); highest among the groups gnomAD compares: Admixed American, 0.17%; 1 homozygote.

Submissions (21):

Labcorp Genetics (formerly Invitae), Labcorp
Classification: Benign for POLD1-related polyposis and colorectal cancer syndrome. Last evaluated: 2026-02-04. Review status: criteria provided, single submitter. Criteria: Invitae Variant Classification Sherloc (09022015). Collection method: clinical testing. Allele origin: germline.

Center for Genomic Medicine, Rigshospitalet, Copenhagen University Hospital
Classification: Likely benign. Last evaluated: 2025-03-04. Review status: criteria provided, single submitter. Criteria: ACMG Guidelines, 2015. Collection method: clinical testing. Allele origin: germline.

ARUP Laboratories, Molecular Genetics and Genomics, ARUP Laboratories
Classification: Likely benign. Last evaluated: 2025-01-29. Review status: criteria provided, single submitter. Criteria: ARUP Molecular Germline Variant Investigation Process 2024. Collection method: clinical testing. Allele origin: germline.

CeGaT Center for Human Genetics Tuebingen
Classification: Likely benign. Last evaluated: 2024-12-01. Review status: criteria provided, single submitter. Criteria: CeGaT Center For Human Genetics Tuebingen Variant Classification Criteria Version 2. Collection method: clinical testing. Allele origin: germline. Affected: yes. Observed: 5 variant alleles.
Comment: POLD1: BP4, BS1

Blueprint Genetics
Classification: Likely benign. Last evaluated: 2024-10-31. Review status: criteria provided, single submitter. Criteria: ACMG Guidelines, 2015. Collection method: clinical testing. Allele origin: germline.

KCCC/NGS Laboratory, Kuwait Cancer Control Center
Classification: Benign for POLD1-related polyposis and colorectal cancer syndrome. Last evaluated: 2023-07-07. Review status: criteria provided, single submitter. Criteria: ACMG Guidelines, 2015. Collection method: clinical testing. Allele origin: germline. Affected: yes.

Myriad Genetics, Inc.
Classification: Likely benign for POLD1-related polyposis and colorectal cancer syndrome. Last evaluated: 2023-04-19. Review status: criteria provided, single submitter. Criteria: Myriad Autosomal Dominant, Autosomal Recessive and X-Linked Classification Criteria (2023). Collection method: clinical testing. Allele origin: unknown.
Comment: This variant is considered likely benign. This variant is intronic and is not expected to impact mRNA splicing.

Department of Pathology and Laboratory Medicine, Sinai Health System
Classification: Likely benign for mandibular hypoplasia-deafness-progeroid syndrome. Last evaluated: 2022-11-15. Review status: criteria provided, single submitter. Criteria: ACMG Guidelines, 2015. Collection method: clinical testing. Allele origin: germline. Affected: yes.

Quest Diagnostics Nichols Institute San Juan Capistrano
Classification: Benign. Last evaluated: 2022-09-03. Review status: criteria provided, single submitter. Criteria: Quest Diagnostics criteria. Collection method: clinical testing. Allele origin: unknown.

GeneDx
Classification: Likely benign. Last evaluated: 2021-10-11. Review status: criteria provided, single submitter. Criteria: GeneDx Variant Classification Process June 2021. Collection method: clinical testing. Allele origin: germline. Affected: yes.
Comment: This variant is associated with the following publications: (PMID: 28577310, 28423643)

Sema4
Classification: Benign for Hereditary cancer-predisposing syndrome. Last evaluated: 2020-11-16. Review status: criteria provided, single submitter. Criteria: Sema4 Curation Guidelines. Collection method: curation. Allele origin: germline.

Women's Health and Genetics/Laboratory Corporation of America, LabCorp
Classification: Benign. Last evaluated: 2020-05-07. Review status: criteria provided, single submitter. Criteria: LabCorp Variant Classification Summary - May 2015. Collection method: clinical testing. Allele origin: germline.
Comment: Variant summary: POLD1 c.1138-8A>G alters a non-conserved nucleotide located close to a canonical splice site and therefore could affect mRNA splicing, leading to a significantly altered protein sequence. 3/4 computational tools predict no significant impact on normal splicing. However, these predictions have yet to be confirmed by functional studies. The variant allele was found at a frequency of 0.00061 in 251010 control chromosomes, predominantly at a frequency of 0.0016 within the Latino subpopulation in the gnomAD database. The observed variant frequency within Latino control individuals in the gnomAD database is approximately 113 fold of the estimated maximal expected allele frequency for a pathogenic variant in POLD1 causing Colorectal Cancer phenotype (1.4e-05), strongly suggesting that the variant is a benign polymorphism found primarily in populations of Latino origin. To our knowledge, no experimental evidence demonstrating its impact on protein function have been reported. Eight ClinVar submitters (evaluation after 2014) cite the variant as benign (2x) and likely benign (6x). Based on the evidence outlined above, the variant was classified as benign.

Mendelics
Classification: Likely benign for POLD1-related polyposis and colorectal cancer syndrome. Last evaluated: 2019-05-28. Review status: criteria provided, single submitter. Criteria: Mendelics Assertion Criteria 2017. Collection method: clinical testing. Allele origin: unknown.

PreventionGenetics, part of Exact Sciences
Classification: Likely benign. Last evaluated: 2016-12-30. Review status: criteria provided, single submitter. Criteria: ACMG Guidelines, 2015. Collection method: clinical testing. Allele origin: germline.

True Health Diagnostics
Classification: Likely benign for Hereditary cancer-predisposing syndrome. Last evaluated: 2018-01-24. Review status: no assertion criteria provided. Collection method: clinical testing. Allele origin: germline. Not counted in ClinVar's aggregate classification.

Counsyl
Classification: Likely benign for POLD1-related polyposis and colorectal cancer syndrome. Last evaluated: 2016-09-14. Review status: no assertion criteria provided. Collection method: clinical testing. Allele origin: unknown. Not counted in ClinVar's aggregate classification.

Clinical Genetics DNA and cytogenetics Diagnostics Lab, Erasmus MC, Erasmus Medical Center
Classification: Likely benign. Review status: no assertion criteria provided. Collection method: clinical testing. Allele origin: germline. Affected: yes. Study: VKGL Data-share Consensus. Not counted in ClinVar's aggregate classification.

Clinical Genetics, Academic Medical Center
Classification: Likely benign. Review status: no assertion criteria provided. Collection method: clinical testing. Allele origin: germline. Affected: yes. Study: VKGL Data-share Consensus. Not counted in ClinVar's aggregate classification.

Diagnostic Laboratory, Department of Genetics, University Medical Center Groningen
Classification: Likely benign for POLD1-related polyposis and colorectal cancer syndrome. Review status: no assertion criteria provided. Collection method: clinical testing. Allele origin: germline. Affected: yes. Study: VKGL Data-share Consensus. Not counted in ClinVar's aggregate classification.

Genome Diagnostics Laboratory, Amsterdam University Medical Center
Classification: Likely benign. Review status: no assertion criteria provided. Collection method: clinical testing. Allele origin: germline. Affected: yes. Study: VKGL Data-share Consensus. Not counted in ClinVar's aggregate classification.

Joint Genome Diagnostic Labs from Nijmegen and Maastricht, Radboudumc and MUMC+
Classification: Likely benign. Review status: no assertion criteria provided. Collection method: clinical testing. Allele origin: germline. Affected: yes. Study: VKGL Data-share Consensus. Not counted in ClinVar's aggregate classification.

Literature cited by the submitters: PubMed 28577310 (cited by Quest Diagnostics Nichols Institute San Juan Capistrano); PubMed 28423643 (cited by Quest Diagnostics Nichols Institute San Juan Capistrano).

NM_002691.4(POLD1):c.1138-8A>G

Gene: POLD1 (DNA polymerase delta 1, catalytic subunit; plus strand). Cytogenetic location: 19q13.33.
Variant type: single nucleotide variant.
Coding change: c.1138-8A>G on transcript NM_002691.4 (MANE Select); 8 bases into the intron before coding-DNA position 1138, A replaced by G.
Molecular consequence: intron variant.
Genome position (GRCh38, 1-based): chr19:50,403,485, A>G. VCF-style: chr19-50403485-A-G. GRCh37 (hg19) VCF-style: chr19-50906742-A-G.
Other names: c.1138-8A>G (NM_001308632.1, NM_001256849.1, LRG_785t2 and 1 more transcripts).
Identifiers: ClinVar variation 220754 (VCV000220754.66), dbSNP rs41544624, ClinGen allele CA348768.